The following is an entry in ClinVar:

NM_182914.3(SYNE2):c.8635G>A (p.Ala2879Thr)

Gene: SYNE2 (spectrin repeat containing nuclear envelope protein 2; plus strand). Cytogenetic location: 14q23.2.
Variant type: single nucleotide variant.
Coding change: c.8635G>A on transcript NM_182914.3 (MANE Select); coding-DNA position 8635, G replaced by A.
Protein change: p.Ala2879Thr; replaces alanine 2879 with threonine.
Molecular consequence: missense variant.
Genome position (GRCh38, 1-based): chr14:64,052,548, G>A. VCF-style: chr14-64052548-G-A. GRCh37 (hg19) VCF-style: chr14-64519266-G-A.
Other names: c.8635G>A, p.Ala2879Thr (NM_015180.6); short protein forms A2879T.
Identifiers: ClinVar variation 3772109 (VCV003772109.13).

ClinVar aggregate classification (germline): Uncertain significance (1 of 4 stars; one submission).

gnomAD v4.1: 1 of 1,614,136 alleles (0.000062%); highest among the groups gnomAD compares: Non-Finnish European, 0.000085%; no homozygotes.

Submission:

CeGaT Center for Human Genetics Tuebingen
Classification: Uncertain significance. Last evaluated: 2024-12-01. Review status: criteria provided, single submitter. Criteria: CeGaT Center For Human Genetics Tuebingen Variant Classification Criteria Version 2. Collection method: clinical testing. Allele origin: germline. Affected: yes. Observed: 1 variant allele.
Comment: SYNE2: PM2, BP4